The following is an entry in ClinVar:

NC_000019.10:g.40285365C>T

Genes: AKT2 (AKT serine/threonine kinase 2; minus strand), LOC130064449 (ATAC-STARR-seq lymphoblastoid silent region 10619; plus strand). Cytogenetic location: 19q13.2.
Variant type: single nucleotide variant.
Genome position: GRCh38 VCF-style: chr19-40285365-C-T. GRCh37 (hg19) VCF-style: chr19-40791272-C-T.
Identifiers: ClinVar variation 5017053 (VCV005017053.2).
Genomic context (GRCh38, chr19:40,285,365, plus strand): 5'-GGCGACGCCTCCTCCGAGGCAGGCCCAACGGCTAGCACGGCGCGGCCCCCCCCGCCCCCT[C>T]CCCCCAGCCCCCGCTTACCGCCCCCTCCCACCCTCTGGACGGAAATACCGCCCTCTCGCG-3'

ClinVar aggregate classification (germline): Uncertain significance (1 of 4 stars; one submission).

Submission:

GeneDx
Classification: Uncertain significance. Last evaluated: 2026-10-15. Review status: criteria provided, single submitter. Criteria: GeneDx Variant Classification Process June 2021. Collection method: clinical testing. Allele origin: germline.
Comment: Has not been previously published as pathogenic or benign to our knowledge; No data available from control populations to assess the frequency of this variant; Located in a regulatory region; in the absence of functional studies, the actual effect of this sequence change is unknown